The following is an entry in ClinVar:

NM_022124.6(CDH23):c.7979_7986del (p.Asp2660fs)

Genes: CDH23 (cadherin related 23; plus strand), LOC111982869 (Sharpr-MPRA regulatory region 2121; plus strand). Cytogenetic location: 10q22.1.
Variant type: Deletion.
Coding change: c.7979_7986del on transcript NM_022124.6 (MANE Select); coding-DNA positions 7979 to 7986, 8 bases deleted (ACTGGGAG; older notation c.7979_7986delACTGGGAG).
Protein change: p.Asp2660fs; shifts the reading frame from aspartic acid 2660.
Molecular consequence: frameshift variant.
Genome position (GRCh38, 1-based): chr10:71,805,912-71,805,919, ACTGGGAG deleted; deleting any 8 consecutive bases within chr10:71,805,911-71,805,919 gives the same sequence; the c. name uses the placement nearest the transcript's 3' end. VCF-style (leftmost placement, unchanged base first): chr10-71805910-GGACTGGGA-G. GRCh37 (hg19) VCF-style: chr10-73565667-GGACTGGGA-G.
Other names: c.1259_1266del, p.Asp420fs (NM_001171933.1, NM_001171934.1); short protein forms D2660fs, D420fs.
Identifiers: ClinVar variation 179282 (VCV000179282.4), dbSNP rs727504761, ClinGen allele CA273609.
Genomic context (GRCh38, chr10:71,805,910, plus strand): 5'-CAAGGATGAGGGCCTCAACGGGGCGGTGCGCTACAGCTTCCTGAAGACTGCGGGCAACCG[GGACTGGGA>G]GTTCTTCATCATCGACCCAATCAGCGGCCTCATCCAGACTGCTCAGCGCCTGGACCGCGA-3'

ClinVar aggregate classification (germline): Pathogenic (1 of 4 stars; one submission).

Conditions:
Rare genetic deafness. Identifiers: Orphanet 96210, MedGen C5680250.

Submission:

Laboratory for Molecular Medicine, Mass General Brigham Personalized Medicine
Classification: Pathogenic for Rare genetic deafness. Last evaluated: 2013-10-17. Review status: criteria provided, single submitter. Criteria: LMM Criteria. Collection method: clinical testing. Allele origin: germline. Inheritance: Autosomal recessive inheritance. Observed: 1 variant allele.
Comment: The Asp2660fs variant in CDH23 has not been reported in individuals with hearing loss or in large population studies. This frameshift variant is predicted to al ter the protein?s amino acid sequence beginning at position 2660 and lead to a p remature termination codon 55 amino acids downstream. This alteration is then pr edicted to lead to a truncated or absent protein. In summary, this variant meet s our criteria to be classified as pathogenic.